The following is an entry in ClinVar:

NM_001267550.2(TTN):c.7760A>G (p.Tyr2587Cys)

Gene: TTN (titin; minus strand). Cytogenetic location: 2q31.2.
Variant type: single nucleotide variant.
Coding change: c.7760A>G on transcript NM_001267550.2 (MANE Select); coding-DNA position 7760, A replaced by G.
Protein change: p.Tyr2587Cys; replaces tyrosine 2587 with cysteine.
Molecular consequence: missense variant.
Genome position (GRCh38, 1-based): chr2:178,773,204, T>C on the plus strand (A>G on the coding strand, the complement: TTN is on the minus strand). VCF-style: chr2-178773204-T-C. GRCh37 (hg19) VCF-style: chr2-179637931-T-C.
Other names: c.7760A>G, p.Tyr2587Cys (NM_001256850.1, NM_133378.4, NM_133379.5); c.7622A>G, p.Tyr2541Cys (NM_003319.4, NM_133432.3, NM_133437.4); short protein forms Y2587C, Y2541C.
Identifiers: ClinVar variation 290534 (VCV000290534.8), dbSNP rs375047082, ClinGen allele CA2004759.

ClinVar aggregate classification (germline): Uncertain significance. Review status: criteria provided, multiple submitters, no conflicts (2 of 4 stars). 3 submissions from 3 submitters: Uncertain significance (3). Last evaluated 2026-06-05.

Conditions:
Cardiovascular phenotype. Identifiers: MedGen CN230736.

Allele frequency attached by ClinVar (database versions not stated): gnomAD exomes below 0.00001 and 0.00001; TOPMed 0.00002; gnomAD 0.00001; ESP Exome Variant Server 0.00008; ExAC 0.00002.

Submissions (3):

Women's Health and Genetics/Laboratory Corporation of America, LabCorp
Classification: Uncertain significance. Last evaluated: 2026-06-05. Review status: criteria provided, single submitter. Criteria: LabCorp Variant Classification Summary - May 2015. Collection method: clinical testing. Allele origin: germline.

Ambry Genetics
Classification: Uncertain significance for Cardiovascular phenotype. Last evaluated: 2020-06-26. Review status: criteria provided, single submitter. Criteria: Ambry Variant Classification Scheme 2023. Collection method: clinical testing. Allele origin: germline.
Comment: The p.Y2541C variant (also known as c.7622A>G), located in coding exon 31 of the TTN gene, results from an A to G substitution at nucleotide position 7622. The tyrosine at codon 2541 is replaced by cysteine, an amino acid with highly dissimilar properties. This amino acid position is well conserved in available vertebrate species. In addition, this alteration is predicted to be tolerated by in silico analysis. Since supporting evidence is limited at this time, the clinical significance of this alteration remains unclear.

Eurofins Ntd Llc (ga)
Classification: Uncertain significance. Last evaluated: 2016-09-23. Review status: criteria provided, single submitter. Criteria: EGL Classification Definitions 2015. Collection method: clinical testing. Allele origin: germline. Observed: 1 variant allele, 1 heterozygote.